The following is an entry in ClinVar:

ClinVar aggregate classification (germline): Uncertain significance. Review status: criteria provided, multiple submitters, no conflicts (2 of 4 stars). 4 submissions from 4 submitters: Uncertain significance (4). Last evaluated 2023-08-02.

Conditions:
Inborn genetic diseases. Identifiers: MedGen C0950123, MeSH D030342.
Hereditary insensitivity to pain with anhidrosis (CIPA). Also called: HSAN Type IV; NTRK1 Congenital Insensitivity to Pain with Anhidrosis; FAMILIAL DYSAUTONOMIA, TYPE II; NEUROPATHY, CONGENITAL SENSORY, WITH ANHIDROSIS; hereditary sensory and autonomic neuropathy type 4; INSENSITIVITY TO PAIN, CONGENITAL, WITH ANHIDROSIS. Identifiers: Orphanet 642, MedGen C0020074, MONDO:0009746, OMIM 256800.

gnomAD v4.1: 13 of 1,551,642 alleles (0.00084%); highest among the groups gnomAD compares: Admixed American, 0.0078%; no homozygotes.

Submissions (4):

Ambry Genetics
Classification: Uncertain significance for Inborn genetic diseases. Last evaluated: 2023-08-02. Review status: criteria provided, single submitter. Criteria: Ambry Variant Classification Scheme 2023. Collection method: clinical testing. Allele origin: germline.

Genome-Nilou Lab
Classification: Uncertain significance for Hereditary insensitivity to pain with anhidrosis. Last evaluated: 2023-04-11. Review status: criteria provided, single submitter. Criteria: ACMG Guidelines, 2015. Collection method: clinical testing. Allele origin: germline. Affected: no.

Labcorp Genetics (formerly Invitae), Labcorp
Classification: Uncertain significance for Hereditary insensitivity to pain with anhidrosis. Last evaluated: 2022-09-01. Review status: criteria provided, single submitter. Criteria: Invitae Variant Classification Sherloc (09022015). Collection method: clinical testing. Allele origin: germline.
Comment: This sequence change replaces glycine, which is neutral and non-polar, with aspartic acid, which is acidic and polar, at codon 221 of the NTRK1 protein (p.Gly221Asp). This variant is present in population databases (no rsID available, gnomAD 0.02%). This variant has not been reported in the literature in individuals affected with NTRK1-related conditions. Advanced modeling of protein sequence and biophysical properties (such as structural, functional, and spatial information, amino acid conservation, physicochemical variation, residue mobility, and thermodynamic stability) performed at Invitae indicates that this missense variant is not expected to disrupt NTRK1 protein function. In summary, the available evidence is currently insufficient to determine the role of this variant in disease. Therefore, it has been classified as a Variant of Uncertain Significance.

Mayo Clinic Laboratories, Mayo Clinic
Classification: Uncertain significance. Last evaluated: 2021-09-23. Review status: criteria provided, single submitter. Criteria: ACMG Guidelines, 2015. Collection method: clinical testing. Allele origin: germline.

NM_002529.4(NTRK1):c.662G>A (p.Gly221Asp)

Gene: NTRK1 (neurotrophic receptor tyrosine kinase 1; plus strand). Cytogenetic location: 1q23.1.
Variant type: single nucleotide variant.
Coding change: c.662G>A on transcript NM_002529.4 (MANE Select); coding-DNA position 662, G replaced by A.
Protein change: p.Gly221Asp; replaces glycine 221 with aspartic acid.
Molecular consequence: missense variant.
Genome position (GRCh38, 1-based): chr1:156,868,592, G>A. VCF-style: chr1-156868592-G-A. GRCh37 (hg19) VCF-style: chr1-156838384-G-A.
Other names: p.Gly221Asp; c.572G>A, p.Gly191Asp (NM_001007792.1); c.662G>A, p.Gly221Asp (NM_001012331.2); c.662G>A (NM_001012331.1); short protein forms G191D, G221D.
Identifiers: ClinVar variation 1398641 (VCV001398641.8), dbSNP rs369478563, ClinGen allele CA31108979.